The following is an entry in ClinVar:

ClinVar aggregate classification (germline): Uncertain significance (1 of 4 stars; one submission).

Submission:

Labcorp Genetics (formerly Invitae), Labcorp
Classification: Uncertain significance. Last evaluated: 2022-05-25. Review status: criteria provided, single submitter. Criteria: Invitae Variant Classification Sherloc (09022015). Collection method: clinical testing. Allele origin: germline.
Comment: In summary, the available evidence is currently insufficient to determine the role of this variant in disease. Therefore, it has been classified as a Variant of Uncertain Significance. Algorithms developed to predict the effect of missense changes on protein structure and function are either unavailable or do not agree on the potential impact of this missense change (SIFT: "Not Available"; PolyPhen-2: "Benign"; Align-GVGD: "Not Available"). This variant has not been reported in the literature in individuals affected with PDSS1-related conditions. This variant is not present in population databases (gnomAD no frequency). This sequence change replaces serine, which is neutral and polar, with arginine, which is basic and polar, at codon 161 of the PDSS1 protein (p.Ser161Arg).

NM_014317.5(PDSS1):c.483C>A (p.Ser161Arg)

Gene: PDSS1 (decaprenyl diphosphate synthase subunit 1; plus strand). Cytogenetic location: 10p12.1.
Variant type: single nucleotide variant.
Coding change: c.483C>A on transcript NM_014317.5 (MANE Select); coding-DNA position 483, C replaced by A.
Protein change: p.Ser161Arg; replaces serine 161 with arginine.
Molecular consequence: missense variant. On other transcripts: 5 prime UTR variant (1).
Genome position (GRCh38, 1-based): chr10:26,720,233, C>A. VCF-style: chr10-26720233-C-A. GRCh37 (hg19) VCF-style: chr10-27009162-C-A.
Other names: c.483C>A, p.Ser161Arg (NM_001321978.2); c.-28C>A (NM_001321979.2); short protein forms S161R.
Identifiers: ClinVar variation 1993408 (VCV001993408.4), dbSNP rs2132259177, ClinGen allele CA376345910.